The following is an entry in ClinVar:

ClinVar aggregate classification (germline): Uncertain significance (1 of 4 stars; one submission).

Conditions:
Hereditary cancer-predisposing syndrome. Also called: Neoplastic Syndromes, Hereditary; Tumor predisposition; Hereditary Cancer Syndrome; Hereditary neoplastic syndrome. Identifiers: Orphanet 140162, MedGen C0027672, MeSH D009386, MONDO:0015356.

Submission:

Ambry Genetics
Classification: Uncertain significance for Hereditary cancer-predisposing syndrome. Last evaluated: 2026-05-17. Review status: criteria provided, single submitter. Criteria: Ambry Variant Classification Scheme 2023. Collection method: clinical testing. Allele origin: germline.
Comment: The p.W1295R variant (also known as c.3883T>A), located in coding exon 26 of the ALK gene, results from a T to A substitution at nucleotide position 3883. The tryptophan at codon 1295 is replaced by arginine, an amino acid with dissimilar properties. This amino acid position is conserved. In addition, this alteration is predicted to be deleterious by in silico analysis. Based on the available evidence, the clinical significance of this variant remains unclear.

NM_004304.5(ALK):c.3883T>A (p.Trp1295Arg)

Gene: ALK (ALK receptor tyrosine kinase; minus strand). Cytogenetic location: 2p23.2.
Variant type: single nucleotide variant.
Coding change: c.3883T>A on transcript NM_004304.5 (MANE Select); coding-DNA position 3883, T replaced by A.
Protein change: p.Trp1295Arg; replaces tryptophan 1295 with arginine.
Molecular consequence: missense variant.
Genome position (GRCh38, 1-based): chr2:29,207,226, A>T on the plus strand (T>A on the coding strand, the complement: ALK is on the minus strand). VCF-style: chr2-29207226-A-T. GRCh37 (hg19) VCF-style: chr2-29430092-A-T.
Other names: c.679T>A, p.Trp227Arg (NM_001353765.2); short protein forms W1295R, W227R.
Identifiers: ClinVar variation 4870352 (VCV004870352.1).